The following is an entry in ClinVar:

ClinVar aggregate classification (germline): Uncertain significance (1 of 4 stars; one submission).

gnomAD v4.1: 7 of 1,614,202 alleles (0.00043%); highest among the groups gnomAD compares: East Asian, 0.0022%; no homozygotes.

Submission:

Labcorp Genetics (formerly Invitae), Labcorp
Classification: Uncertain significance. Last evaluated: 2022-04-19. Review status: criteria provided, single submitter. Criteria: Invitae Variant Classification Sherloc (09022015). Collection method: clinical testing. Allele origin: germline.
Comment: In summary, the available evidence is currently insufficient to determine the role of this variant in disease. Therefore, it has been classified as a Variant of Uncertain Significance. Algorithms developed to predict the effect of missense changes on protein structure and function are either unavailable or do not agree on the potential impact of this missense change (SIFT: "Deleterious"; PolyPhen-2: "Benign"; Align-GVGD: "Class C15"). This variant has not been reported in the literature in individuals affected with OPN1SW-related conditions. This variant is present in population databases (rs374829961, gnomAD 0.01%). This sequence change replaces arginine, which is basic and polar, with cysteine, which is neutral and slightly polar, at codon 276 of the OPN1SW protein (p.Arg276Cys).

NM_001385125.1(OPN1SW):c.817C>T (p.Arg273Cys)

Gene: OPN1SW (opsin 1, short wave sensitive; minus strand). Cytogenetic location: 7q32.1.
Variant type: single nucleotide variant.
Coding change: c.817C>T on transcript NM_001385125.1 (MANE Select); coding-DNA position 817, C replaced by T.
Protein change: p.Arg273Cys; replaces arginine 273 with cysteine.
Molecular consequence: missense variant.
Genome position (GRCh38, 1-based): chr7:128,773,750, G>A on the plus strand (C>T on the coding strand, the complement: OPN1SW is on the minus strand). VCF-style: chr7-128773750-G-A. GRCh37 (hg19) VCF-style: chr7-128413804-G-A.
Other names: short protein forms R273C.
Identifiers: ClinVar variation 2086244 (VCV002086244.4), dbSNP rs374829961, ClinGen allele CA4472829.